The following is an entry in ClinVar:

NM_007325.5(GRIA3):c.2171G>A (p.Arg724Gln)

Gene: GRIA3 (glutamate ionotropic receptor AMPA type subunit 3; plus strand). Cytogenetic location: Xq25.
Variant type: single nucleotide variant.
Coding change: c.2171G>A on transcript NM_007325.5 (MANE Select); coding-DNA position 2171, G replaced by A.
Protein change: p.Arg724Gln; replaces arginine 724 with glutamine.
Molecular consequence: missense variant.
Genome position (GRCh38, 1-based): chrX:123,464,959, G>A. VCF-style: chrX-123464959-G-A. GRCh37 (hg19) VCF-style: chrX-122598810-G-A.
Other names: c.2171G>A (NM_000828.4); c.2171G>A, p.Arg724Gln (NM_000828.5); short protein forms R724Q.
Identifiers: ClinVar variation 1952262 (VCV001952262.9), dbSNP rs757588471, ClinGen allele CA10507146.
Genomic context (GRCh38, chrX:123,464,959, plus strand): 5'-CTTACATGAAATCAGCGGAGCCATCTGTGTTTACCAAAACAACAGCAGACGGAGTGGCCC[G>A]AGTGCGAAAGTCCAAGGGAAAGTTCGCCTTCCTGCTGGAGTCAACCATGAATGAGTACAT-3'
Protein context (NP_015564.5, residues 714-734): FTKTTADGVA[Arg724Gln]VRKSKGKFAF

ClinVar aggregate classification (germline): Uncertain significance. Review status: criteria provided, multiple submitters, no conflicts (2 of 4 stars). 3 submissions from 3 submitters: Uncertain significance (3). Last evaluated 2023-11-10.

Conditions:
Syndromic X-linked intellectual disability 94 (MRXSW). Also called: X-linked intellectual disability due to GRIA3 anomalies; MENTAL RETARDATION, X-LINKED, SYNDROMIC 29. Identifiers: Orphanet 364028, MedGen C2678051, MONDO:0010402, OMIM 300699.

Allele frequency attached by ClinVar (database versions not stated): ExAC 0.00001; gnomAD exomes 0.00001; gnomAD 0.00003.
gnomAD v4.1: 10 of 1,208,244 alleles (0.00083%); highest among the groups gnomAD compares: Admixed American, 0.0022%; no homozygotes.

Submissions (3):

GeneDx
Classification: Uncertain significance. Last evaluated: 2023-11-10. Review status: criteria provided, single submitter. Criteria: GeneDx Variant Classification Process June 2021. Collection method: clinical testing. Allele origin: germline. Affected: yes.
Comment: In silico analysis supports that this missense variant has a deleterious effect on protein structure/function; Has not been previously published as pathogenic or benign to our knowledge

Labcorp Genetics (formerly Invitae), Labcorp
Classification: Uncertain significance. Last evaluated: 2023-06-10. Review status: criteria provided, single submitter. Criteria: Invitae Variant Classification Sherloc (09022015). Collection method: clinical testing. Allele origin: germline.
Comment: ClinVar contains an entry for this variant (Variation ID: 1952262). In summary, the available evidence is currently insufficient to determine the role of this variant in disease. Therefore, it has been classified as a Variant of Uncertain Significance. Advanced modeling of protein sequence and biophysical properties (such as structural, functional, and spatial information, amino acid conservation, physicochemical variation, residue mobility, and thermodynamic stability) performed at Invitae indicates that this missense variant is expected to disrupt GRIA3 protein function. This variant has not been reported in the literature in individuals affected with GRIA3-related conditions. This variant is present in population databases (rs757588471, gnomAD 0.01%). This sequence change replaces arginine, which is basic and polar, with glutamine, which is neutral and polar, at codon 724 of the GRIA3 protein (p.Arg724Gln).

Revvity Omics, Revvity
Classification: Uncertain significance for Syndromic X-linked intellectual disability 94. Last evaluated: 2022-01-02. Review status: criteria provided, single submitter. Criteria: ACMG Guidelines, 2015. Collection method: clinical testing. Allele origin: germline.